The following is an entry in ClinVar:

ClinVar aggregate classification (germline): Uncertain significance (1 of 4 stars; one submission).

Conditions:
Psoriasis 2. Identifiers: MedGen C1864497, MONDO:0011269, OMIM 602723.
Pityriasis rubra pilaris (PRP). Also called: Pityriasis rubra pilaris--familial type. Identifiers: Orphanet 2897, MedGen C0032027, MONDO:0100017, OMIM 173200, MONDO:0008251.

Allele frequency attached by ClinVar (database versions not stated): gnomAD 0.00002 and 0.00003; gnomAD exomes 0.00002 and 0.00003; TOPMed 0.00002; ExAC 0.00003.
gnomAD v4.1: 34 of 1,613,530 alleles (0.0021%); highest among the groups gnomAD compares: Non-Finnish European, 0.0027%; no homozygotes.

Submission:

Labcorp Genetics (formerly Invitae), Labcorp
Classification: Uncertain significance for Pityriasis rubra pilaris; Psoriasis 2. Last evaluated: 2025-10-18. Review status: criteria provided, single submitter. Criteria: Invitae Variant Classification Sherloc (09022015). Collection method: clinical testing. Allele origin: germline.
Comment: This sequence change replaces arginine, which is basic and polar, with glutamine, which is neutral and polar, at codon 823 of the CARD14 protein (p.Arg823Gln). This variant is present in population databases (rs781479850, gnomAD 0.006%). This variant has not been reported in the literature in individuals affected with CARD14-related conditions. ClinVar contains an entry for this variant (Variation ID: 835261). Invitae Evidence Modeling of protein sequence and biophysical properties (such as structural, functional, and spatial information, amino acid conservation, physicochemical variation, residue mobility, and thermodynamic stability) indicates that this missense variant is not expected to disrupt CARD14 protein function with a negative predictive value of 95%. In summary, the available evidence is currently insufficient to determine the role of this variant in disease. Therefore, it has been classified as a Variant of Uncertain Significance.

NM_001366385.1(CARD14):c.2468G>A (p.Arg823Gln)

Genes: CARD14 (caspase recruitment domain family member 14; plus strand), SGSH (N-sulfoglucosamine sulfohydrolase; minus strand), LOC126862662 (MED14-independent group 3 enhancer GRCh37_chr17:78178385-78179584; plus strand). Cytogenetic location: 17q25.3.
Variant type: single nucleotide variant.
Coding change: c.2468G>A on transcript NM_001366385.1 (MANE Select); coding-DNA position 2468, G replaced by A.
Protein change: p.Arg823Gln; replaces arginine 823 with glutamine.
Molecular consequence: missense variant. On other transcripts: non-coding transcript variant (1).
Genome position (GRCh38, 1-based): chr17:80,205,104, G>A. VCF-style: chr17-80205104-G-A. GRCh37 (hg19) VCF-style: chr17-78178903-G-A.
Other names: c.2468G>A, p.Arg823Gln (NM_024110.4); short protein forms R823Q.
Identifiers: ClinVar variation 835261 (VCV000835261.8), dbSNP rs781479850, ClinGen allele CA8817336.
Genomic context (GRCh38, chr17:80,205,104, plus strand): 5'-CGTGCTTCTGGGCCGAGAGCTGCCTCACCCTGGTGCCCTATACCCTGGTGCGGCCCCATC[G>A]ACCCGCCCGGCCCCGGCCTGTGCTCCTCGTGCCCAGGGCGGTTGGGAAGATCCTGAGCGA-3'
Protein context (NP_001353314.1, residues 813-833): LVPYTLVRPH[Arg823Gln]PARPRPVLLV